The following is an entry in ClinVar:

NM_206937.2(LIG4):c.2317C>T (p.Gln773Ter)

Gene: LIG4 (DNA ligase 4; minus strand). Cytogenetic location: 13q33.3.
Variant type: single nucleotide variant.
Coding change: c.2317C>T on transcript NM_206937.2 (MANE Select); coding-DNA position 2317, C replaced by T.
Protein change: p.Gln773Ter; replaces glutamine 773 with a stop codon.
Molecular consequence: nonsense.
Genome position (GRCh38, 1-based): chr13:108,208,952, G>A on the plus strand (C>T on the coding strand, the complement: LIG4 is on the minus strand). VCF-style: chr13-108208952-G-A. GRCh37 (hg19) VCF-style: chr13-108861300-G-A.
Other names: c.2317C>T, p.Gln773Ter (NM_001098268.2, NM_001352598.2, NM_001352599.2 and 6 more transcripts); c.2116C>T, p.Gln706Ter (NM_001330595.2); c.2353C>T, p.Gln785Ter (NM_001352604.2); short protein forms Q706*, Q773*, Q785*.
Identifiers: ClinVar variation 1983356 (VCV001983356.5), dbSNP rs1386691031, ClinGen allele CA388613533.

ClinVar aggregate classification (germline): Pathogenic/Likely pathogenic. Review status: criteria provided, multiple submitters, no conflicts (2 of 4 stars). 2 submissions from 2 submitters: Pathogenic (1); Likely pathogenic (1). Last evaluated 2024-08-28.

Conditions:
DNA ligase IV deficiency. Identifiers: Orphanet 99812, MedGen C1847827, MONDO:0011686, OMIM 606593.
LIG4-related disorder. Also called: LIG4-related condition; LIG4-related disorders. Identifiers: MedGen CN239380.

Allele frequency attached by ClinVar (database versions not stated): gnomAD exomes below 0.00001.
gnomAD v4.1: 7 of 1,613,984 alleles (0.00043%); highest among the groups gnomAD compares: African/African-American, 0.0013%; no homozygotes.

Submissions (2):

Labcorp Genetics (formerly Invitae), Labcorp
Classification: Pathogenic for DNA ligase IV deficiency. Last evaluated: 2024-08-28. Review status: criteria provided, single submitter. Criteria: Invitae Variant Classification Sherloc (09022015). Collection method: clinical testing. Allele origin: germline.
Comment: This sequence change creates a premature translational stop signal (p.Gln773*) in the LIG4 gene. While this is not anticipated to result in nonsense mediated decay, it is expected to disrupt the last 139 amino acid(s) of the LIG4 protein. This variant is not present in population databases (gnomAD no frequency). This variant has not been reported in the literature in individuals affected with LIG4-related conditions. ClinVar contains an entry for this variant (Variation ID: 1983356). This variant disrupts a region of the LIG4 protein in which other variant(s) (p.Arg814*) have been determined to be pathogenic (PMID: 11779494, 16088910, 24123394, 25239263, 27063650, 27612988). This suggests that this is a clinically significant region of the protein, and that variants that disrupt it are likely to be disease-causing. For these reasons, this variant has been classified as Pathogenic.

Blueprint Genetics
Classification: Likely pathogenic for LIG4-related disorders. Last evaluated: 2021-09-23. Review status: criteria provided, single submitter. Criteria: ACMG Guidelines, 2015. Collection method: clinical testing. Allele origin: germline. Affected: yes. Observed: 1 variant allele.

Literature cited by the submitters: PubMed 11779494 (cited by Labcorp Genetics (formerly Invitae), Labcorp); PubMed 16088910 (cited by Labcorp Genetics (formerly Invitae), Labcorp); PubMed 24123394 (cited by Labcorp Genetics (formerly Invitae), Labcorp); PubMed 25239263 (cited by Labcorp Genetics (formerly Invitae), Labcorp); PubMed 27063650 (cited by Labcorp Genetics (formerly Invitae), Labcorp); PubMed 27612988 (cited by Labcorp Genetics (formerly Invitae), Labcorp).